The following is an entry in ClinVar:

ClinVar aggregate classification (germline): Pathogenic (1 of 4 stars; one submission).

Conditions:
Hereditary cancer-predisposing syndrome. Also called: Tumor predisposition; Hereditary Cancer Syndrome; Neoplastic Syndromes, Hereditary; Hereditary neoplastic syndrome. Identifiers: Orphanet 140162, MedGen C0027672, MeSH D009386, MONDO:0015356.

Submission:

Ambry Genetics
Classification: Pathogenic for Hereditary cancer-predisposing syndrome. Last evaluated: 2018-01-04. Review status: criteria provided, single submitter. Criteria: Ambry Variant Classification Scheme 2023. Collection method: clinical testing. Allele origin: germline.
Comment: The c.2836delG pathogenic mutation, located in coding exon 4 of the MSH6 gene, results from a deletion of one nucleotide at nucleotide position 2836, causing a translational frameshift with a predicted alternate stop codon (p.E946Kfs*10). This alteration is expected to result in loss of function by premature protein truncation or nonsense-mediated mRNA decay. As such, this alteration is interpreted as a disease-causing mutation.

NM_000179.3(MSH6):c.2836del (p.Glu946fs)

Gene: MSH6 (mutS homolog 6; plus strand). Cytogenetic location: 2p16.3.
Variant type: Deletion.
Coding change: c.2836del on transcript NM_000179.3 (MANE Select); coding-DNA position 2836, one base deleted (G; older notation c.2836delG).
Protein change: p.Glu946fs; shifts the reading frame from glutamic acid 946.
Molecular consequence: frameshift variant.
Genome position (GRCh38, 1-based): chr2:47,800,819, G deleted. VCF-style (leftmost placement, unchanged base first): chr2-47800818-AG-A. GRCh37 (hg19) VCF-style: chr2-48027957-AG-A.
Other names: c.2446del, p.Glu816fs (NM_001281492.2); c.1930del, p.Glu644fs (NM_001281493.2, NM_001281494.2); c.2932delG, p.Glu978Lysfs (NM_001406795.1, NM_001406802.1); c.2836delG, p.Glu946Lysfs (NM_001406796.1, NM_001406798.1, NM_001406800.1 and 2 more transcripts); c.2539delG, p.Glu847Lysfs (NM_001406797.1, NM_001406801.1, NM_001406805.1 and 10 more transcripts); c.2311delG, p.Glu771Lysfs (NM_001406799.1, NM_001406806.1, NM_001406807.1); c.2758delG, p.Glu920Lysfs (NM_001406804.1); c.1930delG, p.Glu644Lysfs (NM_001406811.1, NM_001406812.1, NM_001406814.1 and 4 more transcripts); and 3 more; short protein forms E946fs, E816fs, E644fs.
Identifiers: ClinVar variation 1796647 (VCV001796647.2), dbSNP rs2530696442, ClinGen allele CA2580068083.